The following is an entry in ClinVar:

NM_018979.4(WNK1):c.62C>T (p.Pro21Leu)

Gene: WNK1 (WNK lysine deficient protein kinase 1; plus strand). Cytogenetic location: 12p13.33.
Variant type: single nucleotide variant.
Coding change: c.62C>T on transcript NM_018979.4 (MANE Select); coding-DNA position 62, C replaced by T.
Protein change: p.Pro21Leu; replaces proline 21 with leucine.
Molecular consequence: missense variant.
Genome position (GRCh38, 1-based): chr12:753,627, C>T. VCF-style: chr12-753627-C-T. GRCh37 (hg19) VCF-style: chr12-862793-C-T.
Other names: c.62C>T, p.Pro21Leu (NM_001184985.2, NM_014823.3, NM_213655.5); short protein forms P21L.
Identifiers: ClinVar variation 1358606 (VCV001358606.10), dbSNP rs764758850, ClinGen allele CA6381710.
Genomic context (GRCh38, chr12:753,627, plus strand): 5'-TGTCTGGCGGCGCCGCAGAGAAGCAGAGCAGCACTCCCGGTTCCCTGTTCCTCTCGCCGC[C>T]GGCTCCTGCCCCCAAGAATGGCTCCAGCTCCGATTCCTCCGTGGGGGAGAAACTGGGAGC-3'
Protein context (NP_061852.3, residues 11-31): STPGSLFLSP[Pro21Leu]APAPKNGSSS

ClinVar aggregate classification (germline): Uncertain significance. Review status: criteria provided, multiple submitters, no conflicts (2 of 4 stars). 2 submissions from 2 submitters: Uncertain significance (2). Last evaluated 2023-12-30.

Conditions:
Inborn genetic diseases. Identifiers: MedGen C0950123, MeSH D030342.
Neuropathy, hereditary sensory and autonomic, type 2A (HSAN2A). Also called: WNK1-Related HSAN2 (HSAN2A); MORVAN DISEASE; NEUROPATHY, CONGENITAL SENSORY; NEUROPATHY, HEREDITARY SENSORY RADICULAR, AUTOSOMAL RECESSIVE; NEUROPATHY, HEREDITARY SENSORY, TYPE IIA; NEUROPATHY, PROGRESSIVE SENSORY, OF CHILDREN. Identifiers: Orphanet 970, MedGen C2752089, MONDO:0024309, OMIM 201300.
Pseudohypoaldosteronism type 2C (PHA2C). Also called: Pseudohypoaldosteronism Type IIC. Identifiers: Orphanet 757, Orphanet 88940, MedGen C1840391, MONDO:0013778, OMIM 614492.

gnomAD v4.1: 10 of 1,612,762 alleles (0.00062%); highest among the groups gnomAD compares: African/African-American, 0.0013%; no homozygotes.

Submissions (2):

Labcorp Genetics (formerly Invitae), Labcorp
Classification: Uncertain significance for Neuropathy, hereditary sensory and autonomic, type 2A; Pseudohypoaldosteronism type 2C. Last evaluated: 2023-12-30. Review status: criteria provided, single submitter. Criteria: Invitae Variant Classification Sherloc (09022015). Collection method: clinical testing. Allele origin: germline.
Comment: This sequence change replaces proline, which is neutral and non-polar, with leucine, which is neutral and non-polar, at codon 21 of the WNK1 protein (p.Pro21Leu). This variant is present in population databases (rs764758850, gnomAD 0.003%). This variant has not been reported in the literature in individuals affected with WNK1-related conditions. ClinVar contains an entry for this variant (Variation ID: 1358606). Advanced modeling of protein sequence and biophysical properties (such as structural, functional, and spatial information, amino acid conservation, physicochemical variation, residue mobility, and thermodynamic stability) performed at Invitae indicates that this missense variant is not expected to disrupt WNK1 protein function with a negative predictive value of 95%. In summary, the available evidence is currently insufficient to determine the role of this variant in disease. Therefore, it has been classified as a Variant of Uncertain Significance.

Ambry Genetics
Classification: Uncertain significance for Inborn genetic diseases. Last evaluated: 2020-09-03. Review status: criteria provided, single submitter. Criteria: Ambry Variant Classification Scheme 2023. Collection method: clinical testing. Allele origin: germline.
Comment: The p.P21L variant (also known as c.62C>T), located in coding exon 1 of the WNK1 gene, results from a C to T substitution at nucleotide position 62. The proline at codon 21 is replaced by leucine, an amino acid with similar properties. This amino acid position is well conserved in available vertebrate species. In addition, this alteration is predicted to be tolerated by in silico analysis. Since supporting evidence is limited at this time, the clinical significance of this alteration remains unclear.